The following is an entry in ClinVar:

ClinVar aggregate classification (germline): Uncertain significance. Review status: criteria provided, multiple submitters, no conflicts (2 of 4 stars). 2 submissions from 2 submitters: Uncertain significance (2). Last evaluated 2024-05-08.

Conditions:
Tuberous sclerosis 2 (TSC2). Identifiers: Orphanet 805, MedGen C1860707, MONDO:0013199, OMIM 613254.
Hereditary cancer-predisposing syndrome. Also called: Neoplastic Syndromes, Hereditary; Hereditary neoplastic syndrome; Tumor predisposition; Hereditary Cancer Syndrome. Identifiers: Orphanet 140162, MedGen C0027672, MeSH D009386, MONDO:0015356.

gnomAD v4.1: 1 of 1,614,200 alleles (0.000062%); highest among the groups gnomAD compares: Non-Finnish European, 0.000085%; no homozygotes.

Submissions (2):

Labcorp Genetics (formerly Invitae), Labcorp
Classification: Uncertain significance for Tuberous sclerosis 2. Last evaluated: 2024-05-08. Review status: criteria provided, single submitter. Criteria: Invitae Variant Classification Sherloc (09022015). Collection method: clinical testing. Allele origin: germline.
Comment: This sequence change replaces threonine, which is neutral and polar, with isoleucine, which is neutral and non-polar, at codon 154 of the TSC2 protein (p.Thr154Ile). This variant is not present in population databases (gnomAD no frequency). This variant has not been reported in the literature in individuals affected with TSC2-related conditions. ClinVar contains an entry for this variant (Variation ID: 535890). Advanced modeling of protein sequence and biophysical properties (such as structural, functional, and spatial information, amino acid conservation, physicochemical variation, residue mobility, and thermodynamic stability) performed at Invitae indicates that this missense variant is not expected to disrupt TSC2 protein function with a negative predictive value of 95%. In summary, the available evidence is currently insufficient to determine the role of this variant in disease. Therefore, it has been classified as a Variant of Uncertain Significance.

Ambry Genetics
Classification: Uncertain significance for Hereditary cancer-predisposing syndrome. Last evaluated: 2022-07-11. Review status: criteria provided, single submitter. Criteria: Ambry Variant Classification Scheme 2023. Collection method: clinical testing. Allele origin: germline.

NM_000548.5(TSC2):c.461C>T (p.Thr154Ile)

Gene: TSC2 (TSC complex subunit 2; plus strand). Cytogenetic location: 16p13.3.
Variant type: single nucleotide variant.
Coding change: c.461C>T on transcript NM_000548.5 (MANE Select); coding-DNA position 461, C replaced by T.
Protein change: p.Thr154Ile; replaces threonine 154 with isoleucine.
Molecular consequence: missense variant. On other transcripts: intron variant (1).
Genome position (GRCh38, 1-based): chr16:2,054,420, C>T. VCF-style: chr16-2054420-C-T. GRCh37 (hg19) VCF-style: chr16-2104421-C-T.
Other names: c.494C>T, p.Thr165Ile (NM_001318832.2); c.461C>T, p.Thr154Ile (NM_001363528.2, NM_001370404.1, NM_001370405.1 and 3 more transcripts); c.-1-1776C>T (NM_001318831.2); c.350C>T, p.Thr117Ile (NM_001318827.2); c.314C>T, p.Thr105Ile (NM_001318829.2); short protein forms T154I, T117I, T105I, T165I.
Identifiers: ClinVar variation 535890 (VCV000535890.10), dbSNP rs1215092245, ClinGen allele CA394308479.